The following is an entry in ClinVar:

ClinVar aggregate classification (germline): Uncertain significance. Review status: criteria provided, single submitter (1 of 4 stars). 2 submissions from 2 submitters: Uncertain significance (1). 1 of the submissions does not count toward it. Last evaluated 2024-02-28.

Conditions:
PKHD1-related disorder. Also called: PKHD1-related condition.
Polycystic kidney disease 4 (PKD4). Also called: POLYCYSTIC KIDNEY AND HEPATIC DISEASE 1; POLYCYSTIC KIDNEY DISEASE, INFANTILE, TYPE I; Autosomal Recessive Polycystic Kidney Disease – PKHD1; POLYCYSTIC KIDNEY DISEASE 4 WITH OR WITHOUT POLYCYSTIC LIVER DISEASE; PKD3. Identifiers: MedGen C4540575, MONDO:0033004, OMIM 263200.

gnomAD v4.1: 5 of 1,613,978 alleles (0.00031%); highest among the groups gnomAD compares: African/African-American, 0.0027%; no homozygotes.

Submissions (2):

Fulgent Genetics
Classification: Uncertain significance for Polycystic kidney disease 4. Last evaluated: 2024-02-28. Review status: criteria provided, single submitter. Criteria: ACMG Guidelines, 2015. Collection method: clinical testing. Allele origin: germline.

PreventionGenetics, part of Exact Sciences
Classification: Uncertain significance for PKHD1-related condition. Last evaluated: 2024-06-18. Review status: no assertion criteria provided. Collection method: clinical testing. Allele origin: germline. Not counted in ClinVar's aggregate classification.
Comment: The PKHD1 c.9602G>A variant is predicted to result in the amino acid substitution p.Arg3201Lys. To our knowledge, this variant has not been reported in the literature or in a large population database, indicating this variant is rare. At this time, the clinical significance of this variant is uncertain due to the absence of conclusive functional and genetic evidence.

NM_138694.4(PKHD1):c.9602G>A (p.Arg3201Lys)

Gene: PKHD1 (PKHD1 ciliary IPT domain containing fibrocystin/polyductin; minus strand). Cytogenetic location: 6p12.3.
Variant type: single nucleotide variant.
Coding change: c.9602G>A on transcript NM_138694.4 (MANE Select); coding-DNA position 9602, G replaced by A.
Protein change: p.Arg3201Lys; replaces arginine 3201 with lysine.
Molecular consequence: missense variant.
Genome position (GRCh38, 1-based): chr6:51,748,014, C>T on the plus strand (G>A on the coding strand, the complement: PKHD1 is on the minus strand). VCF-style: chr6-51748014-C-T. GRCh37 (hg19) VCF-style: chr6-51612812-C-T.
Other names: c.9602G>A, p.Arg3201Lys (NM_170724.3); short protein forms R3201K.
Identifiers: ClinVar variation 3356375 (VCV003356375.2).